The following is an entry in ClinVar:

ClinVar aggregate classification (germline): other (0 of 4 stars; one submission).

Conditions:
Familial colorectal cancer. Identifiers: MedGen CN280943, MONDO:0023113. Disease mechanism: loss of function.

Allele frequency attached by ClinVar (database versions not stated): gnomAD 0.05697 and 0.05443; 1000 Genomes Project 0.07208; 1000 Genomes Project 30x 0.07324; TOPMed 0.06217.
gnomAD v4.1: 8,233 of 152,196 alleles (5.4%); highest among the groups gnomAD compares: African/African-American, 14%; 440 homozygotes.

Submission:

Systems Biology Platform Zhejiang California International NanoSystems Institute
Classification: other for Familial colorectal cancer. Review status: no assertion criteria provided. Collection method: not provided. Allele origin: unknown.
ClinVar note: Converted during submission from cancer to other.

NM_000038.6(APC):c.834+2942A>G

Gene: APC (APC regulator of WNT signaling pathway; plus strand). Cytogenetic location: 5q22.2.
Variant type: single nucleotide variant.
Coding change: c.834+2942A>G on transcript NM_000038.6 (MANE Select); 2942 bases into the intron after coding-DNA position 834, A replaced by G.
Molecular consequence: intron variant.
Genome position (GRCh38, 1-based): chr5:112,804,325, A>G. VCF-style: chr5-112804325-A-G. GRCh37 (hg19) VCF-style: chr5-112140022-A-G.
Other names: c.834+2942A>G (NM_001354895.2, NM_001127510.3, NM_001354896.2 and 1 more transcripts); c.864+2942A>G (NM_001354897.2, NM_001354902.2); c.780+2942A>G (NM_001127511.3); c.759+2942A>G (NM_001354898.2, NM_001354904.2); c.-202+2942A>G (NM_001354906.2); c.750+2942A>G (NM_001354899.2); c.657+2942A>G (NM_001354900.2, NM_001354901.2, NM_001354905.2).
Identifiers: ClinVar variation 82518 (VCV000082518.2), dbSNP rs17134945, ClinGen allele CA014673.